The following is an entry in ClinVar:

ClinVar aggregate classification (germline): Uncertain significance (1 of 4 stars; one submission).

Conditions:
MHC class II deficiency. Also called: Bare lymphocyte syndrome 2; BLS, TYPE II. Identifiers: Orphanet 572, MedGen C5447452, MONDO:0008855.

gnomAD v4.1: 1 of 1,613,948 alleles (0.000062%); no homozygotes.

Submission:

Labcorp Genetics (formerly Invitae), Labcorp
Classification: Uncertain significance for MHC class II deficiency. Last evaluated: 2023-01-24. Review status: criteria provided, single submitter. Criteria: Invitae Variant Classification Sherloc (09022015). Collection method: clinical testing. Allele origin: germline.
Comment: This variant has not been reported in the literature in individuals affected with RFXANK-related conditions. This sequence change replaces leucine, which is neutral and non-polar, with proline, which is neutral and non-polar, at codon 210 of the RFXANK protein (p.Leu210Pro). This variant is not present in population databases (gnomAD no frequency). ClinVar contains an entry for this variant (Variation ID: 1505213). Algorithms developed to predict the effect of missense changes on protein structure and function (SIFT, PolyPhen-2, Align-GVGD) all suggest that this variant is likely to be disruptive. In summary, the available evidence is currently insufficient to determine the role of this variant in disease. Therefore, it has been classified as a Variant of Uncertain Significance.

NM_003721.4(RFXANK):c.629T>C (p.Leu210Pro)

Gene: RFXANK (regulatory factor X associated ankyrin containing protein; plus strand). Cytogenetic location: 19p13.11.
Variant type: single nucleotide variant.
Coding change: c.629T>C on transcript NM_003721.4 (MANE Select); coding-DNA position 629, T replaced by C.
Protein change: p.Leu210Pro; replaces leucine 210 with proline.
Molecular consequence: missense variant.
Genome position (GRCh38, 1-based): chr19:19,198,721, T>C. VCF-style: chr19-19198721-T-C. GRCh37 (hg19) VCF-style: chr19-19309530-T-C.
Other names: c.626T>C, p.Leu209Pro (NM_001370236.1, NM_001370237.1, NM_001370235.1); c.629T>C, p.Leu210Pro (NM_001370238.1, NM_001370233.1); c.560T>C, p.Leu187Pro (NM_134440.3, NM_001278728.2); c.563T>C, p.Leu188Pro (NM_001278727.2, NM_001370234.1); short protein forms L188P, L210P, L187P, L209P.
Identifiers: ClinVar variation 1505213 (VCV001505213.8), dbSNP rs2146496301, ClinGen allele CA404896960.
Genomic context (GRCh38, chr19:19,198,721, plus strand): 5'-GAGGGACGCCACTGCTGTACGCTGTGCGCGGGAACCACGTGAAATGCGTTGAGGCCTTGC[T>C]GGGTGAGTGGGAGTCGGGAGTGGCCCTGGGGGCCCCAGCACTCCAGCGGGCCCTGCGGGA-3'
Protein context (NP_003712.1, residues 200-220): GNHVKCVEAL[Leu210Pro]ARGADLTTEA